The following is an entry in ClinVar:

ClinVar aggregate classification (germline): Likely pathogenic. Review status: criteria provided, multiple submitters, no conflicts (2 of 4 stars). 2 submissions from 2 submitters: Likely pathogenic (2). Last evaluated 2025-10-07.

Conditions:
Nephronophthisis 12 (NPHP12). Identifiers: Orphanet 655, MedGen C3151186, MONDO:0013442, OMIM 613820.
Asphyxiating thoracic dystrophy 4 (SRTD4). Also called: SHORT-RIB THORACIC DYSPLASIA 4 WITH OR WITHOUT POLYDACTYLY; SHORT-RIB THORACIC DYSPLASIA 4. Identifiers: Orphanet 474, MedGen C3151185, MONDO:0013441, OMIM 613819.

Submissions (2):

Dasa
Classification: Likely pathogenic. Last evaluated: 2025-10-07. Review status: criteria provided, single submitter. Criteria: DASA Assertion Criteria. Collection method: clinical testing. Allele origin: germline.
Comment: NM_024753.5(TTC21B):c.270del (p.Ala91Leufs*9) is a frameshift variant in TTC21B predicted to alter the reading frame and introduce a premature termination codon and is predicted to result in an absent or altered protein product. Loss of function is an established disease mechanism for TTC21B-associated disorders. Also, this variant is absent from population databases. Based on the currently available evidence, this variant is classified as likely pathogenic.

Fulgent Genetics
Classification: Likely pathogenic for Asphyxiating thoracic dystrophy 4; Nephronophthisis 12. Last evaluated: 2024-02-29. Review status: criteria provided, single submitter. Criteria: ACMG Guidelines, 2015. Collection method: clinical testing. Allele origin: germline.

NM_024753.5(TTC21B):c.270del (p.Ala91fs)

Genes: TTC21B (tetratricopeptide repeat domain 21B; minus strand), TTC21B-AS1 (TTC21B antisense RNA 1; plus strand). Cytogenetic location: 2q24.3.
Variant type: Deletion.
Coding change: c.270del on transcript NM_024753.5 (MANE Select); coding-DNA position 270, one base deleted (A; older notation c.270delA).
Protein change: p.Ala91fs; shifts the reading frame from alanine 91.
Molecular consequence: frameshift variant.
Genome position (GRCh38, 1-based): chr2:165,945,683, T deleted on the plus strand (A on the coding strand, the reverse complement: TTC21B is on the minus strand); the first of 2 consecutive T bases (chr2:165,945,683-165,945,684); deleting either gives the same sequence. VCF-style (leftmost placement, unchanged base first): chr2-165945682-CT-C. GRCh37 (hg19) VCF-style: chr2-166802192-CT-C.
Other names: short protein forms A91fs.
Identifiers: ClinVar variation 3584648 (VCV003584648.3).